The following is an entry in ClinVar:

NM_003183.6(ADAM17):c.179T>C (p.Leu60Pro)

Gene: ADAM17 (ADAM metallopeptidase domain 17; minus strand). Cytogenetic location: 2p25.1.
Variant type: single nucleotide variant.
Coding change: c.179T>C on transcript NM_003183.6 (MANE Select); coding-DNA position 179, T replaced by C.
Protein change: p.Leu60Pro; replaces leucine 60 with proline.
Molecular consequence: missense variant.
Genome position (GRCh38, 1-based): chr2:9,543,204, A>G on the plus strand (T>C on the coding strand, the complement: ADAM17 is on the minus strand). VCF-style: chr2-9543204-A-G. GRCh37 (hg19) VCF-style: chr2-9683333-A-G.
Other names: c.179T>C, p.Leu60Pro (LRG_1203t1); short protein forms L60P.
Identifiers: ClinVar variation 648182 (VCV000648182.7), dbSNP rs1361814499, ClinGen allele CA345787972.

ClinVar aggregate classification (germline): Uncertain significance (1 of 4 stars; one submission).

Conditions:
Inflammatory skin and bowel disease, neonatal, 1. Identifiers: Orphanet 294023, MedGen C3280501, MONDO:0013693, OMIM 614328.

Allele frequency attached by ClinVar (database versions not stated): gnomAD exomes below 0.00001; gnomAD 0.00001.
gnomAD v4.1: 2 of 1,610,810 alleles (0.00012%); highest among the groups gnomAD compares: Non-Finnish European, 0.00017%; no homozygotes.

Submission:

Labcorp Genetics (formerly Invitae), Labcorp
Classification: Uncertain significance for Inflammatory skin and bowel disease, neonatal, 1. Last evaluated: 2018-10-23. Review status: criteria provided, single submitter. Criteria: Invitae Variant Classification Sherloc (09022015). Collection method: clinical testing. Allele origin: germline.
Comment: This sequence change replaces leucine with proline at codon 60 of the ADAM17 protein (p.Leu60Pro). The leucine residue is moderately conserved and there is a moderate physicochemical difference between leucine and proline. In summary, the available evidence is currently insufficient to determine the role of this variant in disease. Therefore, it has been classified as a Variant of Uncertain Significance. Algorithms developed to predict the effect of missense changes on protein structure and function are either unavailable or do not agree on the potential impact of this missense change (SIFT: "Tolerated"; PolyPhen-2: "Probably Damaging"; Align-GVGD: "Class C0"). This variant has not been reported in the literature in individuals with ADAM17-related disease. This variant is not present in population databases (ExAC no frequency).